The following is an entry in ClinVar:

ClinVar aggregate classification (germline): Pathogenic. Review status: criteria provided, multiple submitters, no conflicts (2 of 4 stars). 3 submissions from 3 submitters: Pathogenic (2). 1 of the submissions does not count toward it. Last evaluated 2022-11-22.

Conditions:
Neuropathy, hereditary sensory and autonomic, type 2A (HSAN2A). Also called: ACROOSTEOLYSIS, GIACCAI TYPE; ACROOSTEOLYSIS, NEUROGENIC; WNK1-Related HSAN2 (HSAN2A); HSAN IIA; MORVAN DISEASE; NEUROPATHY, CONGENITAL SENSORY. Identifiers: Orphanet 970, MedGen C2752089, MONDO:0024309, OMIM 201300.
Pseudohypoaldosteronism type 2C (PHA2C). Also called: Pseudohypoaldosteronism Type IIC. Identifiers: Orphanet 757, Orphanet 88940, MedGen C1840391, MONDO:0013778, OMIM 614492.

Submissions (3):

GeneDx
Classification: Pathogenic. Last evaluated: 2022-11-22. Review status: criteria provided, single submitter. Criteria: GeneDx Variant Classification Process June 2021. Collection method: clinical testing. Allele origin: germline. Affected: yes.
Comment: Frameshift variant predicted to result in protein truncation or nonsense mediated decay in a gene for which loss of function is a known mechanism of disease; Not observed at significant frequency in large population cohorts (gnomAD); This variant is associated with the following publications: (PMID: 22302274)

Labcorp Genetics (formerly Invitae), Labcorp
Classification: Pathogenic for Neuropathy, hereditary sensory and autonomic, type 2A; Pseudohypoaldosteronism type 2C. Last evaluated: 2022-10-10. Review status: criteria provided, single submitter. Criteria: Invitae Variant Classification Sherloc (09022015). Collection method: clinical testing. Allele origin: germline.
Comment: This sequence change creates a premature translational stop signal (p.Thr1176Cysfs*21) in the WNK1 gene. It is expected to result in an absent or disrupted protein product. Loss-of-function variants in WNK1 are known to be pathogenic (PMID: 22910560). This variant is not present in population databases (gnomAD no frequency). This premature translational stop signal has been observed in individuals with congenital insensitivity to pain (PMID: 22302274). This variant is also known as c.1168_1171delACAG (p.Thr390CysfsX21). ClinVar contains an entry for this variant (Variation ID: 973163). For these reasons, this variant has been classified as Pathogenic.

Institute of Human Genetics, University Hospital Jena
Classification: Pathogenic for Neuropathy, hereditary sensory and autonomic, type 2A. Last evaluated: 2020-07-08. Review status: no assertion criteria provided. Collection method: clinical testing. Allele origin: germline. Affected: yes. Not counted in ClinVar's aggregate classification.

Literature cited by the submitters: PubMed 22910560 (cited by Labcorp Genetics (formerly Invitae), Labcorp); PubMed 22302274 (cited by Labcorp Genetics (formerly Invitae), Labcorp and Institute of Human Genetics, University Hospital Jena).

NM_213655.5(WNK1):c.3526_3529del (p.Thr1176fs)

Gene: WNK1 (WNK lysine deficient protein kinase 1; plus strand). Cytogenetic location: 12p13.33.
Variant type: Deletion.
Coding change: c.3526_3529del on transcript NM_213655.5 (MANE Plus Clinical); coding-DNA positions 3526 to 3529, 4 bases deleted (ACAG; older notation c.3526_3529delACAG).
Protein change: p.Thr1176fs; shifts the reading frame from threonine 1176.
Molecular consequence: frameshift variant. On other transcripts: intron variant (2).
Genome position (GRCh38, 1-based): chr12:868,997-869,000, ACAG deleted; deleting any 4 consecutive bases within chr12:868,994-869,000 gives the same sequence; the c. name uses the placement nearest the transcript's 3' end. VCF-style (leftmost placement, unchanged base first): chr12-868993-TCAGA-T. GRCh37 (hg19) VCF-style: chr12-978159-TCAGA-T.
Other names: c.3526_3529del (NM_213655.4); c.3271_3274del, p.Thr1091fs (NM_001184985.2); c.2140-2268_2140-2265del (NM_018979.4, NM_014823.3); short protein forms T1091fs, T1176fs.
Identifiers: ClinVar variation 973163 (VCV000973163.7), dbSNP rs1951917368, ClinGen allele CA943957130.